The following is an entry in ClinVar:

ClinVar aggregate classification (germline): Uncertain significance. Review status: criteria provided, multiple submitters, no conflicts (2 of 4 stars). 2 submissions from 2 submitters: Uncertain significance (2). Last evaluated 2025-04-17.

Conditions:
Lynch syndrome 4 (LYNCH4). Also called: Hereditary non-polyposis colorectal cancer, type 4; Colorectal cancer, hereditary nonpolyposis, type 4. Identifiers: Orphanet 144, MedGen C1838333, MONDO:0013699, OMIM 614337. Disease mechanism: loss of function.
Hereditary cancer-predisposing syndrome. Also called: Tumor predisposition; Hereditary neoplastic syndrome; Hereditary Cancer Syndrome; Neoplastic Syndromes, Hereditary. Identifiers: Orphanet 140162, MedGen C0027672, MeSH D009386, MONDO:0015356.

Submissions (2):

Ambry Genetics
Classification: Uncertain significance for Hereditary cancer-predisposing syndrome. Last evaluated: 2025-04-17. Review status: criteria provided, single submitter. Criteria: Ambry Variant Classification Scheme 2023. Collection method: clinical testing. Allele origin: germline.
Comment: The p.S229F variant (also known as c.686C>T), located in coding exon 6 of the PMS2 gene, results from a C to T substitution at nucleotide position 686. The serine at codon 229 is replaced by phenylalanine, an amino acid with highly dissimilar properties. This amino acid position is conserved. In addition, this alteration is predicted to be tolerated by in silico analysis. Based on the available evidence, the clinical significance of this variant remains unclear.

Molecular Pathology, Peter Maccallum Cancer Centre
Classification: Uncertain significance for Lynch syndrome 4. Last evaluated: 2025-01-02. Review status: criteria provided, single submitter. Criteria: ACMG Guidelines, 2015. Collection method: clinical testing. Allele origin: germline. Inheritance: Autosomal dominant inheritance.

NM_000535.7(PMS2):c.686C>T (p.Ser229Phe)

Gene: PMS2 (PMS1 homolog 2, mismatch repair system component; minus strand). Cytogenetic location: 7p22.1.
Variant type: single nucleotide variant.
Coding change: c.686C>T on transcript NM_000535.7 (MANE Select); coding-DNA position 686, C replaced by T.
Protein change: p.Ser229Phe; replaces serine 229 with phenylalanine.
Molecular consequence: missense variant. On other transcripts: 5 prime UTR variant (2), non-coding transcript variant (1), intron variant (9).
Genome position (GRCh38, 1-based): chr7:5,999,127, G>A on the plus strand (C>T on the coding strand, the complement: PMS2 is on the minus strand). VCF-style: chr7-5999127-G-A. GRCh37 (hg19) VCF-style: chr7-6038758-G-A.
Other names: c.377C>T, p.Ser126Phe (NM_001406877.1, NM_001406878.1, NM_001406879.1 and 6 more transcripts); c.368C>T, p.Ser123Phe (NM_001406883.1, NM_001322007.2, NM_001322008.2 and 4 more transcripts); c.350C>T, p.Ser117Phe (NM_001406885.1); c.281C>T, p.Ser94Phe (NM_001406887.1, NM_001406888.1, NM_001322003.2 and 19 more transcripts); c.686C>T, p.Ser229Phe (NM_001322006.2, NM_001322014.2, NM_001406870.1 and 4 more transcripts); c.-248C>T (NM_001322011.2, NM_001322012.2); c.872C>T, p.Ser291Phe (NM_001406866.1); c.710C>T, p.Ser237Phe (NM_001406868.1); and 6 more; short protein forms S126F, S229F, S117F, S237F, S291F, S94F, S123F.
Identifiers: ClinVar variation 3935100 (VCV003935100.1).